The following is an entry in ClinVar:

NM_001365536.1(SCN9A):c.4115C>T (p.Ala1372Val)

Genes: SCN1A-AS1 (SCN1A and SCN9A antisense RNA 1; plus strand), SCN9A (sodium voltage-gated channel alpha subunit 9; minus strand). Cytogenetic location: 2q24.3.
Variant type: single nucleotide variant.
Coding change: c.4115C>T on transcript NM_001365536.1 (MANE Select); coding-DNA position 4115, C replaced by T.
Protein change: p.Ala1372Val; replaces alanine 1372 with valine.
Molecular consequence: missense variant.
Genome position (GRCh38, 1-based): chr2:166,228,782, G>A on the plus strand (C>T on the coding strand, the complement: SCN9A is on the minus strand). VCF-style: chr2-166228782-G-A. GRCh37 (hg19) VCF-style: chr2-167085292-G-A.
Other names: c.4082C>T, p.Ala1361Val (NM_002977.4); short protein forms A1372V, A1361V.
Identifiers: ClinVar variation 4783386 (VCV004783386.1).

ClinVar aggregate classification (germline): Uncertain significance (1 of 4 stars; one submission).

Conditions:
Neuropathy, hereditary sensory and autonomic, type 2A (HSAN2A). Also called: ACROOSTEOLYSIS, GIACCAI TYPE; ACROOSTEOLYSIS, NEUROGENIC; WNK1-Related HSAN2 (HSAN2A); NEUROPATHY, HEREDITARY SENSORY RADICULAR, AUTOSOMAL RECESSIVE; MORVAN DISEASE; NEUROPATHY, CONGENITAL SENSORY. Identifiers: Orphanet 970, MedGen C2752089, MONDO:0024309, OMIM 201300.
Generalized epilepsy with febrile seizures plus, type 7 (GEFSP7). Also called: GEFS+, TYPE 7. Identifiers: Orphanet 36387, MedGen C2751778, MONDO:0013470, OMIM 613863.

Submission:

Labcorp Genetics (formerly Invitae), Labcorp
Classification: Uncertain significance for Neuropathy, hereditary sensory and autonomic, type 2A; Generalized epilepsy with febrile seizures plus, type 7. Last evaluated: 2026-02-01. Review status: criteria provided, single submitter. Criteria: Invitae Variant Classification Sherloc (09022015). Collection method: clinical testing. Allele origin: germline.
Comment: This sequence change replaces alanine, which is neutral and non-polar, with valine, which is neutral and non-polar, at codon 1361 of the SCN9A protein (p.Ala1361Val). This variant is not present in population databases (gnomAD no frequency). This variant has not been reported in the literature in individuals affected with SCN9A-related conditions. Invitae Evidence Modeling of protein sequence and biophysical properties (such as structural, functional, and spatial information, amino acid conservation, physicochemical variation, residue mobility, and thermodynamic stability) indicates that this missense variant is not expected to disrupt SCN9A protein function with a negative predictive value of 95%. In summary, the available evidence is currently insufficient to determine the role of this variant in disease. Therefore, it has been classified as a Variant of Uncertain Significance.